The following is an entry in ClinVar:

ClinVar aggregate classification (germline): Pathogenic (1 of 4 stars; one submission).

Conditions:
Hereditary breast ovarian cancer syndrome. Also called: Hereditary breast and ovarian cancer syndrome; Hereditary breast and ovarian cancer syndrome (HBOC); Hereditary breast and ovarian cancer; Breast and ovarian cancer; BRCA1- and BRCA2-Associated Hereditary Breast and Ovarian Cancer; Hereditary breast and/or ovarian cancer syndrome. Identifiers: Orphanet 145, MedGen C0677776, MeSH D061325, MONDO:0003582. Disease mechanism: loss of function.

Submission:

Labcorp Genetics (formerly Invitae), Labcorp
Classification: Pathogenic for Hereditary breast ovarian cancer syndrome. Last evaluated: 2026-01-24. Review status: criteria provided, single submitter. Criteria: Invitae Variant Classification Sherloc (09022015). Collection method: clinical testing. Allele origin: germline.
Comment: This sequence change creates a premature translational stop signal (p.His3010Leufs*9) in the BRCA2 gene. It is expected to result in an absent or disrupted protein product. Loss-of-function variants in BRCA2 are known to be pathogenic (PMID: 20104584). This variant is not present in population databases (gnomAD no frequency). This premature translational stop signal has been observed in individual(s) with a personal and/or family history of breast and/or ovarian cancer (PMID: 20960228). This variant is also known as 9256ins4. ClinVar contains an entry for this variant (Variation ID: 2419722). For these reasons, this variant has been classified as Pathogenic.

Literature cited by the submitters: PubMed 20104584; PubMed 20960228.

NM_000059.4(BRCA2):c.9028_9029insTTCC (p.His3010fs)

Gene: BRCA2 (BRCA2 DNA repair associated; plus strand). Cytogenetic location: 13q13.1.
Variant type: Insertion.
Coding change: c.9028_9029insTTCC on transcript NM_000059.4 (MANE Select); coding-DNA positions 9028 to 9029, TTCC inserted.
Protein change: p.His3010fs; shifts the reading frame from histidine 3010.
Molecular consequence: frameshift variant.
Genome position: GRCh38 VCF-style: chr13-32379823-T-TCTTC. GRCh37 (hg19) VCF-style: chr13-32953960-T-TCTTC.
Other names: c.8932_8933insTTCC, p.His2978Leufs (NM_001406719.1); c.8977_8978insTTCC, p.His2993Leufs (NM_001406720.1); c.4096_4097insTTCC, p.His1366Leufs (NM_001406721.1); c.2611_2612insTTCC, p.His871Leufs (NM_001406722.1); short protein forms H3010fs.
Identifiers: ClinVar variation 2419722 (VCV002419722.5), dbSNP rs2548555667, ClinGen allele CA2580087489.